The following is an entry in ClinVar:

ClinVar aggregate classification (germline): Uncertain significance (1 of 4 stars; one submission).

Allele frequency attached by ClinVar (database versions not stated): gnomAD 0.00001; TOPMed 0.00001; ESP Exome Variant Server 0.00008; 1000 Genomes Project 30x 0.00016; 1000 Genomes Project 0.00020.
gnomAD v4.1: 23 of 1,614,136 alleles (0.0014%); highest among the groups gnomAD compares: South Asian, 0.0088%; no homozygotes.

Submission:

Labcorp Genetics (formerly Invitae), Labcorp
Classification: Uncertain significance. Last evaluated: 2022-03-16. Review status: criteria provided, single submitter. Criteria: Invitae Variant Classification Sherloc (09022015). Collection method: clinical testing. Allele origin: germline.
Comment: This sequence change replaces tyrosine, which is neutral and polar, with cysteine, which is neutral and slightly polar, at codon 266 of the DENND5A protein (p.Tyr266Cys). This variant is present in population databases (rs376134706, gnomAD 0.01%). This variant has not been reported in the literature in individuals affected with DENND5A-related conditions. Algorithms developed to predict the effect of missense changes on protein structure and function are either unavailable or do not agree on the potential impact of this missense change (SIFT: "Tolerated"; PolyPhen-2: "Probably Damaging"; Align-GVGD: "Class C0"). In summary, the available evidence is currently insufficient to determine the role of this variant in disease. Therefore, it has been classified as a Variant of Uncertain Significance.

NM_015213.4(DENND5A):c.797A>G (p.Tyr266Cys)

Gene: DENND5A (DENN domain containing 5A; minus strand). Cytogenetic location: 11p15.4.
Variant type: single nucleotide variant.
Coding change: c.797A>G on transcript NM_015213.4 (MANE Select); coding-DNA position 797, A replaced by G.
Protein change: p.Tyr266Cys; replaces tyrosine 266 with cysteine.
Molecular consequence: missense variant. On other transcripts: non-coding transcript variant (1).
Genome position (GRCh38, 1-based): chr11:9,203,812, T>C on the plus strand (A>G on the coding strand, the complement: DENND5A is on the minus strand). VCF-style: chr11-9203812-T-C. GRCh37 (hg19) VCF-style: chr11-9225359-T-C.
Other names: c.797A>G, p.Tyr266Cys (NM_001243254.2, NM_001348748.1); c.725A>G, p.Tyr242Cys (NM_001348749.2); c.509A>G, p.Tyr170Cys (NM_001348750.2); short protein forms Y170C, Y242C, Y266C.
Identifiers: ClinVar variation 1980013 (VCV001980013.1), dbSNP rs376134706, ClinGen allele CA5877753.